The following is an entry in ClinVar:

NM_001130823.3(DNMT1):c.855C>T (p.Gly285=)

Gene: DNMT1 (DNA methyltransferase 1; minus strand). Cytogenetic location: 19p13.2.
Variant type: single nucleotide variant.
Coding change: c.855C>T on transcript NM_001130823.3 (MANE Select); coding-DNA position 855, C replaced by T.
Protein change: p.Gly285=; no amino-acid change (glycine 285 retained).
Molecular consequence: synonymous variant.
Genome position (GRCh38, 1-based): chr19:10,166,634, G>A on the plus strand (C>T on the coding strand, the complement: DNMT1 is on the minus strand). VCF-style: chr19-10166634-G-A. GRCh37 (hg19) VCF-style: chr19-10277310-G-A.
Other names: c.807C>T, p.Gly269= (NM_001318730.2, NM_001379.4); c.492C>T, p.Gly164= (NM_001318731.2).
Identifiers: ClinVar variation 852192 (VCV000852192.14), dbSNP rs755151805, ClinGen allele CA9188561.

ClinVar aggregate classification (germline): Conflicting classifications of pathogenicity. Review status: criteria provided, conflicting classifications (1 of 4 stars). 3 submissions from 3 submitters: Uncertain significance (2); Likely benign (1). Last evaluated 2024-06-17.

Conditions:
Hereditary sensory neuropathy-deafness-dementia syndrome. Also called: Hereditary sensory neuropathy type IE; NEUROPATHY, HEREDITARY SENSORY, WITH HEARING LOSS AND DEMENTIA; Hereditary Sensory and Autonomic Neuropathy Type 1E (HSAN1E); HSN IE. Identifiers: Orphanet 456318, MedGen C3279885, MONDO:0013584, OMIM 614116.
Autosomal dominant cerebellar ataxia, deafness and narcolepsy. Also called: Autosomal Dominant Cerebellar Ataxia, Deafness, and Narcolepsy (ADCA-DN). Identifiers: Orphanet 314404, MedGen C4302668, MONDO:0011397, OMIM 604121.

Allele frequency attached by ClinVar (database versions not stated): gnomAD exomes 0.00001 and 0.00002; ExAC 0.00002; gnomAD 0.00002 and 0.00003; TOPMed 0.00004.
gnomAD v4.1: 12 of 1,614,034 alleles (0.00074%); highest among the groups gnomAD compares: South Asian, 0.0022%; no homozygotes.

Submissions (4):

Labcorp Genetics (formerly Invitae), Labcorp
Classification: Likely benign for Hereditary sensory neuropathy-deafness-dementia syndrome. Last evaluated: 2024-06-17. Review status: criteria provided, single submitter. Criteria: Invitae Variant Classification Sherloc (09022015). Collection method: clinical testing. Allele origin: germline.

Fulgent Genetics
Classification: Uncertain significance for Autosomal dominant cerebellar ataxia, deafness and narcolepsy; Hereditary sensory neuropathy-deafness-dementia syndrome. Last evaluated: 2021-09-13. Review status: criteria provided, single submitter. Criteria: ACMG Guidelines, 2015. Collection method: clinical testing. Allele origin: unknown.

GeneDx
Classification: Uncertain significance. Last evaluated: 2020-06-03. Review status: criteria provided, single submitter. Criteria: GeneDx Variant Classification Process June 2021. Collection method: clinical testing. Allele origin: germline. Affected: yes.
Comment: In silico analysis supports a deleterious effect on splicing; Has not been previously published as pathogenic or benign to our knowledge

Dr. Peter K. Rogan Lab, Western University
No classification provided (evidence only). Condition: Glioma susceptibility 1. Review status: no classification provided. Collection method: in vitro. Allele origin: not applicable. Functional consequence: skipped exon, retained intron. Not counted in ClinVar's aggregate classification.